The following is an entry in ClinVar:

ClinVar aggregate classification (germline): Pathogenic (1 of 4 stars; one submission).

Conditions:
Glycogen storage disease type III (GSD3). Also called: Cori disease; FORBES DISEASE. Identifiers: Orphanet 366, MedGen C0017922, MONDO:0009291, OMIM 232400.

Submission:

Labcorp Genetics (formerly Invitae), Labcorp
Classification: Pathogenic for Glycogen storage disease type III. Last evaluated: 2022-12-13. Review status: criteria provided, single submitter. Criteria: Invitae Variant Classification Sherloc (09022015). Collection method: clinical testing. Allele origin: germline.
Comment: For these reasons, this variant has been classified as Pathogenic. This premature translational stop signal has been observed in individual(s) with clinical features of glycogen storage disease III (PMID: 29614965). This variant is not present in population databases (gnomAD no frequency). This sequence change creates a premature translational stop signal (p.Asn69Lysfs*8) in the AGL gene. It is expected to result in an absent or disrupted protein product. Loss-of-function variants in AGL are known to be pathogenic (PMID: 19299494).

Literature cited by the submitters: PubMed 29614965; PubMed 19299494.

NM_000642.3(AGL):c.206dup (p.Asn69fs)

Gene: AGL (amylo-alpha-1,6-glucosidase and 4-alpha-glucanotransferase; plus strand). Cytogenetic location: 1p21.2.
Variant type: Duplication.
Coding change: c.206dup on transcript NM_000642.3 (MANE Select); coding-DNA position 206, one base duplicated (A; older notation c.206dupA).
Protein change: p.Asn69fs; shifts the reading frame from asparagine 69.
Molecular consequence: frameshift variant.
Genome position (GRCh38, 1-based): chr1:99,861,626, A duplicated; the last of 4 consecutive A bases (chr1:99,861,623-99,861,626); duplicating any one gives the same sequence. VCF-style (leftmost placement, unchanged base first): chr1-99861622-G-GA. GRCh37 (hg19) VCF-style: chr1-100327178-G-GA.
Other names: c.206dup, p.Asn69Lysfs (NM_000028.3, NM_000643.3, NM_000644.3 and 5 more transcripts); c.158dup, p.Asn53Lysfs (NM_000646.3); short protein forms N69fs, N53fs.
Identifiers: ClinVar variation 2910124 (VCV002910124.3), dbSNP rs2524492379, ClinGen allele CA2586967066.